The following is an entry in ClinVar:

ClinVar aggregate classification (germline): Uncertain significance (1 of 4 stars; one submission).

Conditions:
HPS1-related disorder. Also called: HPS1-related condition.

Submission:

PreventionGenetics, part of Exact Sciences
Classification: Uncertain significance for HPS1-related condition. Last evaluated: 2025-04-07. Review status: criteria provided, single submitter. Criteria: ACMG Guidelines, 2015. Collection method: clinical testing. Allele origin: germline.
Comment: The HPS1 c.866A>T variant is predicted to result in the amino acid substitution p.Asn289Ile. However, this variant is non-coding in the canonical HPS1 transcript (NM_000195.4, c.937+28A>T). To our knowledge, this variant has not been reported in the literature. This variant is reported in 0.0065% of alleles in individuals of European (Non-Finnish) descent in gnomAD. At this time, the clinical significance of this variant is uncertain due to the absence of conclusive functional and genetic evidence.

NM_000195.5(HPS1):c.937+28A>T

Gene: HPS1 (HPS1 biogenesis of lysosomal organelles complex 3 subunit 1; minus strand). Cytogenetic location: 10q24.2.
Variant type: single nucleotide variant.
Coding change: c.937+28A>T on transcript NM_000195.5 (MANE Select); 28 bases into the intron after coding-DNA position 937, A replaced by T.
Molecular consequence: intron variant. On other transcripts: missense variant (4).
Genome position (GRCh38, 1-based): chr10:98,429,545, T>A on the plus strand (A>T on the coding strand, the complement: HPS1 is on the minus strand). VCF-style: chr10-98429545-T-A. GRCh37 (hg19) VCF-style: chr10-100189302-T-A.
Other names: c.847A>T, p.Thr283Ser (NM_001322490.2); c.866A>T, p.Asn289Ile (NM_001322491.2); c.748A>T, p.Thr250Ser (NM_001322492.2); c.965A>T, p.Asn322Ile (NM_182639.4); c.568+28A>T (NM_001322483.2, NM_001322484.2); c.676+28A>T (NM_001322480.2, NM_001322481.2); c.838+28A>T (NM_001322478.2, NM_001322479.2); c.937+28A>T (NM_001322476.2, NM_001322477.2); and 3 more; short protein forms T250S, N289I, T283S, N322I.
Identifiers: ClinVar variation 4978795 (VCV004978795.1).